The following is an entry in ClinVar:

ClinVar aggregate classification (germline): Likely benign (1 of 4 stars; one submission).

Submission:

CeGaT Center for Human Genetics Tuebingen
Classification: Likely benign. Last evaluated: 2026-07-01. Review status: criteria provided, single submitter. Criteria: CeGaT Center For Human Genetics Tuebingen Variant Classification Criteria Version 2. Collection method: clinical testing. Allele origin: germline. Affected: yes. Observed: 1 variant allele.
Comment: MAGEC1: BP4

NM_005462.5(MAGEC1):c.1352T>C (p.Phe451Ser)

Gene: MAGEC1 (MAGE family member C1; plus strand). Cytogenetic location: Xq27.2.
Variant type: single nucleotide variant.
Coding change: c.1352T>C on transcript NM_005462.5 (MANE Select); coding-DNA position 1352, T replaced by C.
Protein change: p.Phe451Ser; replaces phenylalanine 451 with serine.
Molecular consequence: missense variant.
Genome position (GRCh38, 1-based): chrX:141,906,756, T>C. VCF-style: chrX-141906756-T-C. GRCh37 (hg19) VCF-style: chrX-140994542-T-C.
Other names: short protein forms F451S.
Identifiers: ClinVar variation 5038936 (VCV005038936.1).
Genomic context (GRCh38, chrX:141,906,756, plus strand): 5'-CTCAAAGTGCTTTTGAGGGTTTTCCCCAGTCTCCTCTCCAGATTCCTGTGAGCTCCTCTT[T>C]CTCCTACACTTTATTGAGTCTTTTCCAGAGTTCCCCTGAGAGAACTCACAGTACTTTTGA-3'
Protein context (NP_005453.2, residues 441-461): SPLQIPVSSS[Phe451Ser]SYTLLSLFQS